The following is an entry in ClinVar:

ClinVar aggregate classification (germline): Uncertain significance. Review status: criteria provided, multiple submitters, no conflicts (2 of 4 stars). 2 submissions from 2 submitters: Uncertain significance (2). Last evaluated 2023-04-06.

Conditions:
Dilated cardiomyopathy 1JJ (CMD1JJ). Identifiers: Orphanet 154, MedGen C3808935, MONDO:0014095, OMIM 615235.
Cardiovascular phenotype. Identifiers: MedGen CN230736.

Allele frequency attached by ClinVar (database versions not stated): gnomAD exomes below 0.00001 and 0.00001; TOPMed below 0.00001; ExAC 0.00001; gnomAD 0.00001.
gnomAD v4.1: 15 of 1,612,778 alleles (0.00093%); highest among the groups gnomAD compares: Non-Finnish European, 0.0013%; no homozygotes.

Submissions (2):

Labcorp Genetics (formerly Invitae), Labcorp
Classification: Uncertain significance for Dilated cardiomyopathy 1JJ. Last evaluated: 2023-04-06. Review status: criteria provided, single submitter. Criteria: Invitae Variant Classification Sherloc (09022015). Collection method: clinical testing. Allele origin: germline.
Comment: In summary, the available evidence is currently insufficient to determine the role of this variant in disease. Therefore, it has been classified as a Variant of Uncertain Significance. An algorithm developed to predict the effect of missense changes on protein structure and function (PolyPhen-2) suggests that this variant is likely to be disruptive. ClinVar contains an entry for this variant (Variation ID: 1044926). This variant has not been reported in the literature in individuals affected with LAMA4-related conditions. This variant is present in population databases (rs782368185, gnomAD 0.0009%). This sequence change replaces arginine, which is basic and polar, with cysteine, which is neutral and slightly polar, at codon 1491 of the LAMA4 protein (p.Arg1491Cys).

Ambry Genetics
Classification: Uncertain significance for Cardiovascular phenotype. Last evaluated: 2022-10-03. Review status: criteria provided, single submitter. Criteria: Ambry Variant Classification Scheme 2023. Collection method: clinical testing. Allele origin: germline.
Comment: The p.R1491C variant (also known as c.4471C>T), located in coding exon 32 of the LAMA4 gene, results from a C to T substitution at nucleotide position 4471. The arginine at codon 1491 is replaced by cysteine, an amino acid with highly dissimilar properties. This amino acid position is conserved. In addition, this alteration is predicted to be tolerated by in silico analysis. Since supporting evidence is limited at this time, the clinical significance of this alteration remains unclear.

NM_001105206.3(LAMA4):c.4492C>T (p.Arg1498Cys)

Gene: LAMA4 (laminin subunit alpha 4; minus strand). Cytogenetic location: 6q21.
Variant type: single nucleotide variant.
Coding change: c.4492C>T on transcript NM_001105206.3 (MANE Select); coding-DNA position 4492, C replaced by T.
Protein change: p.Arg1498Cys; replaces arginine 1498 with cysteine.
Molecular consequence: missense variant.
Genome position (GRCh38, 1-based): chr6:112,120,456, G>A on the plus strand (C>T on the coding strand, the complement: LAMA4 is on the minus strand). VCF-style: chr6-112120456-G-A. GRCh37 (hg19) VCF-style: chr6-112441659-G-A.
Other names: c.4471C>T, p.Arg1491Cys (NM_001105207.3, NM_002290.5); short protein forms R1491C, R1498C.
Identifiers: ClinVar variation 1044926 (VCV001044926.8), dbSNP rs782368185, ClinGen allele CA3964968.